The following is an entry in ClinVar:

NM_001231.5(CASQ1):c.574G>C (p.Glu192Gln)

Gene: CASQ1 (calsequestrin 1; plus strand). Cytogenetic location: 1q23.2.
Variant type: single nucleotide variant.
Coding change: c.574G>C on transcript NM_001231.5 (MANE Select); coding-DNA position 574, G replaced by C.
Protein change: p.Glu192Gln; replaces glutamic acid 192 with glutamine.
Molecular consequence: missense variant.
Genome position (GRCh38, 1-based): chr1:160,195,120, G>C. VCF-style: chr1-160195120-G-C. GRCh37 (hg19) VCF-style: chr1-160164910-G-C.
Other names: p.Glu192Gln; c.574G>C (NM_001231.4); short protein forms E192Q.
Identifiers: ClinVar variation 1389336 (VCV001389336.12), dbSNP rs182841353, ClinGen allele CA1196234.

ClinVar aggregate classification (germline): Uncertain significance. Review status: criteria provided, multiple submitters, no conflicts (2 of 4 stars). 4 submissions from 4 submitters: Uncertain significance (4). Last evaluated 2025-10-21.

Conditions:
Inborn genetic diseases. Identifiers: MedGen C0950123, MeSH D030342.
Myopathy due to calsequestrin and SERCA1 protein overload. Also called: Myopathy, vacuolar, with casq1 aggregates. Identifiers: Orphanet 88635, MedGen C4015624, MONDO:0014546, OMIM 616231.

Allele frequency attached by ClinVar (database versions not stated): TOPMed 0.00001; gnomAD 0.00003; gnomAD exomes 0.00005 and 0.00009; ExAC 0.00009; 1000 Genomes Project 30x 0.00016; 1000 Genomes Project 0.00020.

Submissions (4):

Labcorp Genetics (formerly Invitae), Labcorp
Classification: Uncertain significance. Last evaluated: 2025-10-21. Review status: criteria provided, single submitter. Criteria: Invitae Variant Classification Sherloc (09022015). Collection method: clinical testing. Allele origin: germline.
Comment: This sequence change replaces glutamic acid, which is acidic and polar, with glutamine, which is neutral and polar, at codon 192 of the CASQ1 protein (p.Glu192Gln). This variant is present in population databases (rs182841353, gnomAD 0.06%), and has an allele count higher than expected for a pathogenic variant. This variant has not been reported in the literature in individuals affected with CASQ1-related conditions. ClinVar contains an entry for this variant (Variation ID: 1389336). Invitae Evidence Modeling of protein sequence and biophysical properties (such as structural, functional, and spatial information, amino acid conservation, physicochemical variation, residue mobility, and thermodynamic stability) indicates that this missense variant is not expected to disrupt CASQ1 protein function with a negative predictive value of 80%. In summary, the available evidence is currently insufficient to determine the role of this variant in disease. Therefore, it has been classified as a Variant of Uncertain Significance.

Revvity Omics, Revvity
Classification: Uncertain significance for Myopathy due to calsequestrin and SERCA1 protein overload. Last evaluated: 2024-11-04. Review status: criteria provided, single submitter. Criteria: ACMG Guidelines, 2015. Collection method: clinical testing. Allele origin: germline.

Mayo Clinic Laboratories, Mayo Clinic
Classification: Uncertain significance. Last evaluated: 2024-07-30. Review status: criteria provided, single submitter. Criteria: ACMG Guidelines, 2015. Collection method: clinical testing. Allele origin: germline. Observed: 1 variant allele.
Comment: BS1

Ambry Genetics
Classification: Uncertain significance for Inborn genetic diseases. Last evaluated: 2023-08-22. Review status: criteria provided, single submitter. Criteria: Ambry Variant Classification Scheme 2023. Collection method: clinical testing. Allele origin: germline.